The following is an entry in ClinVar:

ClinVar aggregate classification (germline): Uncertain significance. Review status: criteria provided, multiple submitters, no conflicts (2 of 4 stars). 2 submissions from 2 submitters: Uncertain significance (2). Last evaluated 2024-11-12.

Conditions:
Hereditary cancer-predisposing syndrome. Also called: Tumor predisposition; Hereditary Cancer Syndrome; Neoplastic Syndromes, Hereditary; Hereditary neoplastic syndrome. Identifiers: Orphanet 140162, MedGen C0027672, MeSH D009386, MONDO:0015356.
Tuberous sclerosis 2 (TSC2). Identifiers: Orphanet 805, MedGen C1860707, MONDO:0013199, OMIM 613254.

Submissions (2):

Labcorp Genetics (formerly Invitae), Labcorp
Classification: Uncertain significance for Tuberous sclerosis 2. Last evaluated: 2024-11-12. Review status: criteria provided, single submitter. Criteria: Invitae Variant Classification Sherloc (09022015). Collection method: clinical testing. Allele origin: germline.
Comment: This sequence change replaces phenylalanine, which is neutral and non-polar, with leucine, which is neutral and non-polar, at codon 1275 of the TSC2 protein (p.Phe1275Leu). This variant is not present in population databases (gnomAD no frequency). This variant has not been reported in the literature in individuals affected with TSC2-related conditions. ClinVar contains an entry for this variant (Variation ID: 1015836). Invitae Evidence Modeling of protein sequence and biophysical properties (such as structural, functional, and spatial information, amino acid conservation, physicochemical variation, residue mobility, and thermodynamic stability) indicates that this missense variant is not expected to disrupt TSC2 protein function with a negative predictive value of 95%. In summary, the available evidence is currently insufficient to determine the role of this variant in disease. Therefore, it has been classified as a Variant of Uncertain Significance.

Ambry Genetics
Classification: Uncertain significance for Hereditary cancer-predisposing syndrome. Last evaluated: 2024-06-19. Review status: criteria provided, single submitter. Criteria: Ambry Variant Classification Scheme 2023. Collection method: clinical testing. Allele origin: germline.
Comment: The p.F1275L variant (also known as c.3823T>C), located in coding exon 31 of the TSC2 gene, results from a T to C substitution at nucleotide position 3823. The phenylalanine at codon 1275 is replaced by leucine, an amino acid with highly similar properties. This amino acid position is not well conserved in available vertebrate species. In addition, the in silico prediction for this alteration is inconclusive. Based on the available evidence, the clinical significance of this variant remains unclear.

NM_000548.5(TSC2):c.3823T>C (p.Phe1275Leu)

Gene: TSC2 (TSC complex subunit 2; plus strand). Cytogenetic location: 16p13.3.
Variant type: single nucleotide variant.
Coding change: c.3823T>C on transcript NM_000548.5 (MANE Select); coding-DNA position 3823, T replaced by C.
Protein change: p.Phe1275Leu; replaces phenylalanine 1275 with leucine.
Molecular consequence: missense variant. On other transcripts: intron variant (6).
Genome position (GRCh38, 1-based): chr16:2,082,444, T>C. VCF-style: chr16-2082444-T-C. GRCh37 (hg19) VCF-style: chr16-2132445-T-C.
Other names: c.3091T>C, p.Phe1031Leu (NM_001318831.2); c.3691T>C, p.Phe1231Leu (NM_001370404.1); c.3694T>C, p.Phe1232Leu (NM_001370405.1, NM_021055.3); c.3814+646T>C (NM_001114382.3); c.3685+646T>C (NM_001363528.2); c.3682+646T>C (NM_001077183.3); c.3574+646T>C (NM_001318827.2); c.3538+646T>C (NM_001318829.2); and 1 more; short protein forms F1031L, F1231L, F1232L, F1275L.
Identifiers: ClinVar variation 1015836 (VCV001015836.12), dbSNP rs2090258908, ClinGen allele CA394294830.
Genomic context (GRCh38, chr16:2,082,444, plus strand): 5'-GTGTGTAGCCCCTCCTCCTGCTGACGTGGCCGCACACGGCCTTCCCTTGCAGTGGCCTCT[T>C]TCTCCTCCCTGTACCAGTCCAGCTGCCAAGGACAGCTGCACAGGAGCGTTTCCTGGGCAG-3'
Protein context (NP_000539.2, residues 1265-1285): PLPRSNTVAS[Phe1275Leu]SSLYQSSCQG